The following is an entry in ClinVar:

ClinVar aggregate classification (germline): Uncertain significance (1 of 4 stars; one submission).

Allele frequency attached by ClinVar (database versions not stated): ExAC 0.00001; gnomAD exomes 0.00001.
gnomAD v4.1: 15 of 1,606,326 alleles (0.00093%); highest among the groups gnomAD compares: Non-Finnish European, 0.0013%; no homozygotes.

Submission:

Labcorp Genetics (formerly Invitae), Labcorp
Classification: Uncertain significance. Last evaluated: 2023-12-19. Review status: criteria provided, single submitter. Criteria: Invitae Variant Classification Sherloc (09022015). Collection method: clinical testing. Allele origin: germline.
Comment: This sequence change replaces glutamic acid, which is acidic and polar, with lysine, which is basic and polar, at codon 961 of the MYO6 protein (p.Glu961Lys). The frequency data for this variant in the population databases is considered unreliable, as metrics indicate poor data quality at this position in the gnomAD database. This variant has not been reported in the literature in individuals affected with MYO6-related conditions. Advanced modeling of protein sequence and biophysical properties (such as structural, functional, and spatial information, amino acid conservation, physicochemical variation, residue mobility, and thermodynamic stability) performed at Invitae indicates that this missense variant is not expected to disrupt MYO6 protein function with a negative predictive value of 80%. In summary, the available evidence is currently insufficient to determine the role of this variant in disease. Therefore, it has been classified as a Variant of Uncertain Significance.

NM_004999.4(MYO6):c.2881G>A (p.Glu961Lys)

Gene: MYO6 (myosin VI; plus strand). Cytogenetic location: 6q14.1.
Variant type: single nucleotide variant.
Coding change: c.2881G>A on transcript NM_004999.4 (MANE Select); coding-DNA position 2881, G replaced by A.
Protein change: p.Glu961Lys; replaces glutamic acid 961 with lysine.
Molecular consequence: missense variant. On other transcripts: non-coding transcript variant (1).
Genome position (GRCh38, 1-based): chr6:75,891,241, G>A. VCF-style: chr6-75891241-G-A. GRCh37 (hg19) VCF-style: chr6-76600958-G-A.
Other names: c.2881G>A, p.Glu961Lys (NM_001300899.2, NM_001368136.1, NM_001368137.1 and 2 more transcripts); c.2866G>A, p.Glu956Lys (NM_001368138.1); short protein forms E961K, E956K.
Identifiers: ClinVar variation 2715202 (VCV002715202.3), dbSNP rs753090524, ClinGen allele CA3897486.